The following is an entry in ClinVar:

ClinVar aggregate classification (germline): Likely pathogenic (1 of 4 stars; one submission).

Conditions:
Congenital cataract-microcephaly-nevus flammeus simplex-severe intellectual disability syndrome. Also called: Basel-Vanagaite-Smirin-Yosef syndrome. Identifiers: Orphanet 464738, MedGen C4225323, MONDO:0014643, OMIM 616449.

Submission:

Variantyx, Inc.
Classification: Likely pathogenic for Congenital cataract-microcephaly-nevus flammeus simplex-severe intellectual disability syndrome. Last evaluated: 2025-10-16. Review status: criteria provided, single submitter. Criteria: Variantyx Assertion Criteria 2022. Collection method: clinical testing. Allele origin: germline. Inheritance: Autosomal recessive inheritance. Affected: no.
Comment: This is a frameshift variant in the MED25 gene (OMIM: 610197). Pathogenic variants in this gene have been associated with autosomal recessive Basel-Vanagait-Smirin-Yosef syndrome. This variant introduces a premature termination codon in exon 15 out of 18 and is expected to result in loss of function, which is a known disease mechanism for MED25 in this disorder (PMID: 32324310, 32816121) (PVS1). This variant has a 0.0001% maximum allele frequency in non-founder control populations (PM2). Based on the current evidence, this variant is classified as likely pathogenic for autosomal recessive Basel-Vanagait-Smirin-Yosef syndrome.

Literature cited by the submitters: PubMed 32324310; PubMed 32816121.

NM_030973.4(MED25):c.1682dup (p.Gln562fs)

Gene: MED25 (mediator complex subunit 25; plus strand). Cytogenetic location: 19q13.33.
Variant type: Duplication.
Coding change: c.1682dup on transcript NM_030973.4 (MANE Select); coding-DNA position 1682, one base duplicated (G; older notation c.1682dupG).
Protein change: p.Gln562fs; shifts the reading frame from glutamine 562.
Molecular consequence: frameshift variant.
Genome position (GRCh38, 1-based): chr19:49,835,541, G duplicated; the last of 6 consecutive G bases (chr19:49,835,536-49,835,541); duplicating any one gives the same sequence. VCF-style (leftmost placement, unchanged base first): chr19-49835535-T-TG. GRCh37 (hg19) VCF-style: chr19-50338792-T-TG.
Other names: c.1682dup, p.Gln562fs (NM_001378355.1); short protein forms Q562fs.
Identifiers: ClinVar variation 4850783 (VCV004850783.1).